The following is an entry in ClinVar:

NM_020366.4(RPGRIP1):c.3100-1G>A

Gene: RPGRIP1 (RPGR interacting protein 1; plus strand). Cytogenetic location: 14q11.2.
Variant type: single nucleotide variant.
Coding change: c.3100-1G>A on transcript NM_020366.4 (MANE Select); the canonical splice acceptor site of the intron before coding-DNA position 3100, G replaced by A.
Molecular consequence: splice acceptor variant. On other transcripts: intron variant (1).
Genome position (GRCh38, 1-based): chr14:21,330,248, G>A. VCF-style: chr14-21330248-G-A. GRCh37 (hg19) VCF-style: chr14-21798407-G-A.
Other names: c.2026-1G>A (NM_001377948.1); c.1186-1G>A (NM_001377949.1); c.1078-1G>A (NM_001377523.1); c.1078-4G>A (NM_001377950.1); c.580-1G>A (NM_001377951.1).
Identifiers: ClinVar variation 2937258 (VCV002937258.5), dbSNP rs371900300, ClinGen allele CA257536560.

ClinVar aggregate classification (germline): Conflicting classifications of pathogenicity. Review status: criteria provided, conflicting classifications (1 of 4 stars). 3 submissions from 3 submitters: Likely pathogenic (1); Uncertain significance (1). 1 of the submissions does not count toward it. Last evaluated 2025-02-15.

Conditions:
Cone-rod dystrophy 13 (CORD13). Identifiers: Orphanet 1872, MedGen C2750720, MONDO:0011987, OMIM 608194.
Leber congenital amaurosis 6 (LCA6). Identifiers: Orphanet 65, MedGen C1854260, MONDO:0013446, OMIM 613826.
Retinal dystrophy. Also called: Inherited retinal dystrophy. Identifiers: Orphanet 71862, MedGen C0854723, MeSH D058499, MONDO:0019118, HP:0000556.

Allele frequency attached by ClinVar (database versions not stated): TOPMed 0.00002; gnomAD 0.00003; ESP Exome Variant Server 0.00008.
gnomAD v4.1: 4 of 1,546,722 alleles (0.00026%); highest among the groups gnomAD compares: African/African-American, 0.0057%; no homozygotes.

Submissions (3):

Labcorp Genetics (formerly Invitae), Labcorp
Classification: Likely pathogenic for Leber congenital amaurosis 6; Cone-rod dystrophy 13. Last evaluated: 2025-02-15. Review status: criteria provided, single submitter. Criteria: Invitae Variant Classification Sherloc (09022015). Collection method: clinical testing. Allele origin: germline.
Comment: This sequence change affects an acceptor splice site in intron 18 of the RPGRIP1 gene. It is expected to disrupt RNA splicing. Variants that disrupt the donor or acceptor splice site typically lead to a loss of protein function (PMID: 16199547), and loss-of-function variants in RPGRIP1 are known to be pathogenic (PMID: 11528500, 23105016). This variant is present in population databases (rs371900300, gnomAD 0.02%). This variant has not been reported in the literature in individuals affected with RPGRIP1-related conditions. ClinVar contains an entry for this variant (Variation ID: 2937258). Algorithms developed to predict the effect of sequence changes on RNA splicing suggest that this variant may disrupt the consensus splice site. In summary, the currently available evidence indicates that the variant is pathogenic, but additional data are needed to prove that conclusively. Therefore, this variant has been classified as Likely Pathogenic.

Blueprint Genetics
Classification: Uncertain significance. Last evaluated: 2021-10-22. Review status: criteria provided, single submitter. Criteria: ACMG Guidelines, 2015. Collection method: clinical testing. Allele origin: germline.

Institute of Human Genetics, Univ. Regensburg, Univ. Regensburg
Classification: Uncertain significance for Retinal dystrophy. Last evaluated: 2021-01-01. Review status: no assertion criteria provided. Criteria: ACMG Guidelines, 2015. Collection method: clinical testing. Allele origin: germline. Affected: yes. Not counted in ClinVar's aggregate classification.

Literature cited by the submitters: PubMed 16199547 (cited by Labcorp Genetics (formerly Invitae), Labcorp); PubMed 11528500 (cited by Labcorp Genetics (formerly Invitae), Labcorp); PubMed 23105016 (cited by Labcorp Genetics (formerly Invitae), Labcorp).